The following is an entry in ClinVar:

ClinVar aggregate classification (germline): Likely benign. Review status: criteria provided, multiple submitters, no conflicts (2 of 4 stars). 2 submissions from 2 submitters: Likely benign (2). Last evaluated 2019-07-11.

Allele frequency attached by ClinVar (database versions not stated): gnomAD exomes below 0.00001.

Submissions (2):

Ambry Genetics
Classification: Likely benign. Last evaluated: 2019-07-11. Review status: criteria provided, single submitter. Criteria: Ambry Variant Classification Scheme 2023. Collection method: clinical testing. Allele origin: germline.

GeneDx
Classification: Likely benign. Last evaluated: 2017-10-05. Review status: criteria provided, single submitter. Criteria: GeneDx Variant Classification (06012015). Collection method: clinical testing. Allele origin: germline. Affected: yes.
Comment: This variant is considered likely benign or benign based on one or more of the following criteria: it is a conservative change, it occurs at a poorly conserved position in the protein, it is predicted to be benign by multiple in silico algorithms, and/or has population frequency not consistent with disease.

NM_004990.4(MARS1):c.1389G>A (p.Glu463=)

Gene: MARS1 (methionyl-tRNA synthetase 1; plus strand). Cytogenetic location: 12q13.3.
Variant type: single nucleotide variant.
Coding change: c.1389G>A on transcript NM_004990.4 (MANE Select); coding-DNA position 1389, G replaced by A.
Protein change: p.Glu463=; no amino-acid change (glutamic acid 463 retained).
Molecular consequence: synonymous variant.
Genome position (GRCh38, 1-based): chr12:57,511,718, G>A. VCF-style: chr12-57511718-G-A. GRCh37 (hg19) VCF-style: chr12-57905501-G-A.
Identifiers: ClinVar variation 512148 (VCV000512148.3), dbSNP rs1555168194, ClinGen allele CA480395684.